The following is an entry in ClinVar:

NM_001377229.1(DISP1):c.281A>G (p.His94Arg)

Gene: DISP1 (dispatched RND transporter family member 1; plus strand). Cytogenetic location: 1q41.
Variant type: single nucleotide variant.
Coding change: c.281A>G on transcript NM_001377229.1 (MANE Select); coding-DNA position 281, A replaced by G.
Protein change: p.His94Arg; replaces histidine 94 with arginine.
Molecular consequence: missense variant. On other transcripts: 5 prime UTR variant (1).
Genome position (GRCh38, 1-based): chr1:222,943,104, A>G. VCF-style: chr1-222943104-A-G. GRCh37 (hg19) VCF-style: chr1-223116446-A-G.
Other names: c.-607A>G (NM_001350630.2); c.281A>G, p.His94Arg (NM_001369594.1, NM_001377228.1, NM_032890.5); c.281A>G (NM_032890.3); short protein forms H94R.
Identifiers: ClinVar variation 2049879 (VCV002049879.5), dbSNP rs370793131, ClinGen allele CA1408769.

ClinVar aggregate classification (germline): Uncertain significance. Review status: criteria provided, multiple submitters, no conflicts (2 of 4 stars). 2 submissions from 2 submitters: Uncertain significance (2). Last evaluated 2024-06-13.

Allele frequency attached by ClinVar (database versions not stated): gnomAD 0.00007; ESP Exome Variant Server 0.00008; ExAC 0.00006; TOPMed 0.00007.

Submissions (2):

Ambry Genetics
Classification: Uncertain significance. Last evaluated: 2024-06-13. Review status: criteria provided, single submitter. Criteria: Ambry Variant Classification Scheme 2023. Collection method: clinical testing. Allele origin: germline.

Labcorp Genetics (formerly Invitae), Labcorp
Classification: Uncertain significance. Last evaluated: 2022-09-30. Review status: criteria provided, single submitter. Criteria: Invitae Variant Classification Sherloc (09022015). Collection method: clinical testing. Allele origin: germline.
Comment: This sequence change replaces histidine, which is basic and polar, with arginine, which is basic and polar, at codon 94 of the DISP1 protein (p.His94Arg). This variant is present in population databases (rs370793131, gnomAD 0.01%). This variant has not been reported in the literature in individuals affected with DISP1-related conditions. Algorithms developed to predict the effect of missense changes on protein structure and function (SIFT, PolyPhen-2, Align-GVGD) all suggest that this variant is likely to be tolerated. In summary, the available evidence is currently insufficient to determine the role of this variant in disease. Therefore, it has been classified as a Variant of Uncertain Significance.